The following is an entry in ClinVar:

ClinVar aggregate classification (germline): Benign. Review status: criteria provided, multiple submitters, no conflicts (2 of 4 stars). 2 submissions from 2 submitters: Benign (2). Last evaluated 2018-06-16.

Allele frequency attached by ClinVar (database versions not stated): gnomAD exomes 0.00823; gnomAD 0.08349 and 0.08951; 1000 Genomes Project 0.09465; TOPMed 0.09544; 1000 Genomes Project 30x 0.10103.
gnomAD v4.1: 24,941 of 1,564,846 alleles (1.6%); highest among the groups gnomAD compares: African/African-American, 29%; 3,217 homozygotes.

Submissions (2):

GeneDx
Classification: Benign. Last evaluated: 2018-06-16. Review status: criteria provided, single submitter. Criteria: GeneDx Variant Classification (06012015). Collection method: clinical testing. Allele origin: germline. Affected: yes.
Comment: This variant is considered likely benign or benign based on one or more of the following criteria: it is a conservative change, it occurs at a poorly conserved position in the protein, it is predicted to be benign by multiple in silico algorithms, and/or has population frequency not consistent with disease.

Breakthrough Genomics
Classification: Benign. Review status: criteria provided, single submitter. Criteria: ACMG Guidelines, 2015. Collection method: not provided. Allele origin: germline. Inheritance: Autosomal recessive inheritance. Affected: yes.

NM_016360.4(TACO1):c.693+60T>C

Gene: TACO1 (translational activator of cytochrome c oxidase I; plus strand). Cytogenetic location: 17q23.3.
Variant type: single nucleotide variant.
Coding change: c.693+60T>C on transcript NM_016360.4 (MANE Select); 60 bases into the intron after coding-DNA position 693, T replaced by C.
Molecular consequence: intron variant.
Genome position (GRCh38, 1-based): chr17:63,607,524, T>C. VCF-style: chr17-63607524-T-C. GRCh37 (hg19) VCF-style: chr17-61684884-T-C.
Identifiers: ClinVar variation 676776 (VCV000676776.2), dbSNP rs73333836, ClinGen allele CA16543215.